The following is an entry in ClinVar:

NM_017636.4(TRPM4):c.3386A>T (p.Lys1129Met)

Gene: TRPM4 (transient receptor potential cation channel subfamily M member 4; plus strand). Cytogenetic location: 19q13.33.
Variant type: single nucleotide variant.
Coding change: c.3386A>T on transcript NM_017636.4 (MANE Select); coding-DNA position 3386, A replaced by T.
Protein change: p.Lys1129Met; replaces lysine 1129 with methionine.
Molecular consequence: missense variant.
Genome position (GRCh38, 1-based): chr19:49,210,767, A>T. VCF-style: chr19-49210767-A-T. GRCh37 (hg19) VCF-style: chr19-49714024-A-T.
Other names: c.2951A>T, p.Lys984Met (NM_001195227.2); c.3041A>T, p.Lys1014Met (NM_001321281.2); c.1778A>T, p.Lys593Met (NM_001321282.2); c.2864A>T, p.Lys955Met (NM_001321283.2); c.2324A>T, p.Lys775Met (NM_001321285.2); short protein forms K1129M, K593M, K984M, K1014M, K775M, K955M.
Identifiers: ClinVar variation 536797 (VCV000536797.13), dbSNP rs765449931, ClinGen allele CA9569888.

ClinVar aggregate classification (germline): Uncertain significance. Review status: criteria provided, multiple submitters, no conflicts (2 of 4 stars). 2 submissions from 2 submitters: Uncertain significance (2). Last evaluated 2026-02-01.

Conditions:
Progressive familial heart block type IB (PFHB1B). Identifiers: Orphanet 871, MedGen C1970298, MONDO:0011474, OMIM 604559.
Cardiovascular phenotype. Identifiers: MedGen CN230736.

Allele frequency attached by ClinVar (database versions not stated): ExAC 0.00002; gnomAD exomes 0.00002 and 0.00006; gnomAD 0.00003; TOPMed 0.00005.
gnomAD v4.1: 90 of 1,613,992 alleles (0.0056%); highest among the groups gnomAD compares: Non-Finnish European, 0.0072%; no homozygotes.

Submissions (2):

Labcorp Genetics (formerly Invitae), Labcorp
Classification: Uncertain significance for Progressive familial heart block type IB. Last evaluated: 2026-02-01. Review status: criteria provided, single submitter. Criteria: Invitae Variant Classification Sherloc (09022015). Collection method: clinical testing. Allele origin: germline.
Comment: This sequence change replaces lysine, which is basic and polar, with methionine, which is neutral and non-polar, at codon 1129 of the TRPM4 protein (p.Lys1129Met). This variant is present in population databases (rs765449931, gnomAD 0.004%). This variant has not been reported in the literature in individuals affected with TRPM4-related conditions. ClinVar contains an entry for this variant (Variation ID: 536797). An algorithm developed to predict the effect of missense changes on protein structure and function (PolyPhen-2) suggests that this variant is likely to be disruptive. In summary, the available evidence is currently insufficient to determine the role of this variant in disease. Therefore, it has been classified as a Variant of Uncertain Significance.

Ambry Genetics
Classification: Uncertain significance for Cardiovascular phenotype. Last evaluated: 2025-03-04. Review status: criteria provided, single submitter. Criteria: Ambry Variant Classification Scheme 2023. Collection method: clinical testing. Allele origin: germline.
Comment: The p.K1129M variant (also known as c.3386A>T), located in coding exon 22 of the TRPM4 gene, results from an A to T substitution at nucleotide position 3386. The lysine at codon 1129 is replaced by methionine, an amino acid with similar properties. This amino acid position is well conserved in available vertebrate species. In addition, the in silico prediction for this alteration is inconclusive. Since supporting evidence is limited at this time, the clinical significance of this alteration remains unclear.